The following is an entry in ClinVar:

NM_001009944.3(PKD1):c.4930T>G (p.Phe1644Val)

Gene: PKD1 (polycystin 1, transient receptor potential channel interacting; minus strand). Cytogenetic location: 16p13.3.
Variant type: single nucleotide variant.
Coding change: c.4930T>G on transcript NM_001009944.3 (MANE Select); coding-DNA position 4930, T replaced by G.
Protein change: p.Phe1644Val; replaces phenylalanine 1644 with valine.
Molecular consequence: missense variant.
Genome position (GRCh38, 1-based): chr16:2,110,237, A>C on the plus strand (T>G on the coding strand, the complement: PKD1 is on the minus strand). VCF-style: chr16-2110237-A-C. GRCh37 (hg19) VCF-style: chr16-2160238-A-C.
Other names: c.4930T>G, p.Phe1644Val (NM_000296.4); short protein forms F1644V.
Identifiers: ClinVar variation 3373115 (VCV003373115.1).

ClinVar aggregate classification (germline): Uncertain significance (1 of 4 stars; one submission).

Submission:

GeneDx
Classification: Uncertain significance. Last evaluated: 2024-04-30. Review status: criteria provided, single submitter. Criteria: GeneDx Variant Classification Process June 2021. Collection method: clinical testing. Allele origin: germline. Affected: yes.
Comment: Not observed at significant frequency in large population cohorts (gnomAD); In silico analysis supports that this missense variant has a deleterious effect on protein structure/function; Has not been previously published as pathogenic or benign to our knowledge